The following is an entry in ClinVar:

ClinVar aggregate classification (germline): Pathogenic. Review status: criteria provided, multiple submitters, no conflicts (2 of 4 stars). 2 submissions from 2 submitters: Pathogenic (2). Last evaluated 2024-05-24.

Conditions:
COG1 congenital disorder of glycosylation (CDG2G). Also called: CONGENITAL DISORDER OF GLYCOSYLATION, TYPE IIg; CDG IIg; CDGII/COG1 CEREBROCOSTOMANDIBULAR-LIKE SYNDROME. Identifiers: Orphanet 263508, MedGen C2931011, MONDO:0012637, OMIM 611209.

Allele frequency attached by ClinVar (database versions not stated): gnomAD exomes below 0.00001; ExAC 0.00002; TOPMed 0.00004; gnomAD 0.00007.

Submissions (2):

Dasa
Classification: Pathogenic. Last evaluated: 2024-05-24. Review status: criteria provided, single submitter. Criteria: DASA Assertion Criteria. Collection method: clinical testing. Allele origin: germline.
Comment: NM_018714.3(COG1):c.1006C>T (p.Arg336*) introduces a premature termination codon predicted to result in loss of normal protein function. Loss-of-function is an established mechanism of disease for this gene. Based on the available data, this variant is classified as pathogenic.

Labcorp Genetics (formerly Invitae), Labcorp
Classification: Pathogenic for COG1 congenital disorder of glycosylation. Last evaluated: 2023-07-21. Review status: criteria provided, single submitter. Criteria: Invitae Variant Classification Sherloc (09022015). Collection method: clinical testing. Allele origin: germline.
Comment: This sequence change creates a premature translational stop signal (p.Arg336*) in the COG1 gene. It is expected to result in an absent or disrupted protein product. Loss-of-function variants in COG1 are known to be pathogenic (PMID: 16537452). This variant is present in population databases (rs773341615, gnomAD 0.01%). This variant has not been reported in the literature in individuals affected with COG1-related conditions. ClinVar contains an entry for this variant (Variation ID: 2195938). For these reasons, this variant has been classified as Pathogenic.

Literature cited by the submitters: PubMed 16537452 (cited by Labcorp Genetics (formerly Invitae), Labcorp).

NM_018714.3(COG1):c.1006C>T (p.Arg336Ter)

Genes: COG1 (component of oligomeric golgi complex 1; plus strand), LOC126862634 (CDK7 strongly-dependent group 2 enhancer GRCh37_chr17:71195948-71197147; plus strand). Cytogenetic location: 17q25.1.
Variant type: single nucleotide variant.
Coding change: c.1006C>T on transcript NM_018714.3 (MANE Select); coding-DNA position 1006, C replaced by T.
Protein change: p.Arg336Ter; replaces arginine 336 with a stop codon.
Molecular consequence: nonsense.
Genome position (GRCh38, 1-based): chr17:73,199,957, C>T. VCF-style: chr17-73199957-C-T. GRCh37 (hg19) VCF-style: chr17-71196096-C-T.
Other names: short protein forms R336*.
Identifiers: ClinVar variation 2195938 (VCV002195938.5), dbSNP rs773341615, ClinGen allele CA8740122.